The following is an entry in ClinVar:

NM_000540.3(RYR1):c.6169A>G (p.Thr2057Ala)

Gene: RYR1 (ryanodine receptor 1; plus strand). Cytogenetic location: 19q13.2.
Variant type: single nucleotide variant.
Coding change: c.6169A>G on transcript NM_000540.3 (MANE Select); coding-DNA position 6169, A replaced by G.
Protein change: p.Thr2057Ala; replaces threonine 2057 with alanine.
Molecular consequence: missense variant.
Genome position (GRCh38, 1-based): chr19:38,492,531, A>G. VCF-style: chr19-38492531-A-G. GRCh37 (hg19) VCF-style: chr19-38983171-A-G.
Other names: c.6169A>G, p.Thr2057Ala (NM_001042723.2); short protein forms T2057A.
Identifiers: ClinVar variation 3072344 (VCV003072344.2), dbSNP rs1288246303, ClinGen allele CA405662016.
Genomic context (GRCh38, chr19:38,492,531, plus strand): 5'-CCTTCTTGACCACTTCCAGGAATTCAGCTAGATGGAGAGGAGGAGGAACCAGAGGAAGAG[A>G]CCACCCTGGGCAGCCGCCTCATGAGCCTGTTGGAGAAAGTGCGGCTGGTGAAGAAGAAGG-3'
Protein context (NP_000531.2, residues 2047-2067): DGEEEEPEEE[Thr2057Ala]TLGSRLMSLL

ClinVar aggregate classification (germline): Uncertain significance. Review status: criteria provided, multiple submitters, no conflicts (2 of 4 stars). 2 submissions from 2 submitters: Uncertain significance (2). Last evaluated 2024-05-27.

Conditions:
Malignant hyperthermia, susceptibility to, 1 (MHS1). Also called: Anesthesia related hyperthermia; Malignant hyperpyrexia; Fulminating hyperpyrexia; Pharmacogenic myopathy; RYR1-Related Malignant Hyperthermia Susceptibility; Malignant hyperthermia suceptibility 1. Identifiers: Orphanet 423, MedGen C2930980, MONDO:0007783, OMIM 145600.

Allele frequency attached by ClinVar (database versions not stated): gnomAD exomes below 0.00001.
gnomAD v4.1: 2 of 1,614,102 alleles (0.00012%); highest among the groups gnomAD compares: East Asian, 0.0045%; no homozygotes.

Submissions (2):

Revvity Omics, Revvity
Classification: Uncertain significance. Last evaluated: 2024-05-27. Review status: criteria provided, single submitter. Criteria: ACMG Guidelines, 2015. Collection method: clinical testing. Allele origin: germline.

All of Us Research Program, National Institutes of Health
Classification: Uncertain significance for Malignant hyperthermia, susceptibility to, 1. Last evaluated: 2023-07-10. Review status: criteria provided, single submitter. Criteria: ACMG Guidelines, 2015. Collection method: clinical testing. Allele origin: germline. Inheritance: Autosomal dominant inheritance. Observed: 1 variant allele, 1 heterozygote.
Comment: This missense variant replaces threonine with alanine at codon 2057 of the RYR1 protein. Computational prediction suggests that this variant may not impact protein structure and function (internally defined REVEL score threshold <= 0.5, PMID: 27666373). To our knowledge, functional studies have not been reported for this variant. This variant has not been reported in individuals affected with RYR1-related disorders in the literature. This variant has been identified in 2/251362 chromosomes in the general population by the Genome Aggregation Database (gnomAD). The available evidence is insufficient to determine the role of this variant in disease conclusively. Therefore, this variant is classified as a Variant of Uncertain Significance.

This study involves interpretation of variants in research participants for the purpose of population health screening. Participant phenotype was not available at the time of variant classification. Additional details can be found in publication PMID: 35346344, PMCID: PMC8962531